The following is an entry in ClinVar:

NM_001366854.1(TMEM132B):c.2752C>A (p.Leu918Met)

Gene: TMEM132B (transmembrane protein 132B; plus strand). Cytogenetic location: 12q24.32.
Variant type: single nucleotide variant.
Coding change: c.2752C>A on transcript NM_001366854.1 (MANE Select); coding-DNA position 2752, C replaced by A.
Protein change: p.Leu918Met; replaces leucine 918 with methionine.
Molecular consequence: missense variant.
Genome position (GRCh38, 1-based): chr12:125,654,210, C>A. VCF-style: chr12-125654210-C-A. GRCh37 (hg19) VCF-style: chr12-126138756-C-A.
Other names: c.1273C>A, p.Leu425Met (NM_001286219.2); c.2737C>A, p.Leu913Met (NM_052907.3); short protein forms L425M, L913M, L918M.
Identifiers: ClinVar variation 3387903 (VCV003387903.14).

ClinVar aggregate classification (germline): Benign (1 of 4 stars; one submission).

gnomAD v4.1: 14,671 of 1,614,186 alleles (0.91%); highest among the groups gnomAD compares: South Asian, 4.3%; 177 homozygotes.

Submission:

CeGaT Center for Human Genetics Tuebingen
Classification: Benign. Last evaluated: 2024-11-01. Review status: criteria provided, single submitter. Criteria: CeGaT Center For Human Genetics Tuebingen Variant Classification Criteria Version 2. Collection method: clinical testing. Allele origin: germline. Affected: yes. Observed: 1 variant allele.
Comment: TMEM132B: BS1, BS2